The following is an entry in ClinVar:

NM_020778.5(ALPK3):c.2841_2848del (p.Gly948fs)

Gene: ALPK3 (alpha kinase 3; plus strand). Cytogenetic location: 15q25.3.
Variant type: Deletion.
Coding change: c.2841_2848del on transcript NM_020778.5 (MANE Select); coding-DNA positions 2841 to 2848, 8 bases deleted (AGGTCCCC; older notation c.2841_2848delAGGTCCCC).
Protein change: p.Gly948fs; shifts the reading frame from glycine 948.
Molecular consequence: frameshift variant.
Genome position (GRCh38, 1-based): chr15:84,857,579-84,857,586, AGGTCCCC deleted; deleting any 8 consecutive bases within chr15:84,857,575-84,857,586 gives the same sequence; the c. name uses the placement nearest the transcript's 3' end. VCF-style (leftmost placement, unchanged base first): chr15-84857574-ACCCCAGGT-A. GRCh37 (hg19) VCF-style: chr15-85400805-ACCCCAGGT-A.
Other names: short protein forms G948fs.
Identifiers: ClinVar variation 3775568 (VCV003775568.2).

ClinVar aggregate classification (germline): Pathogenic (1 of 4 stars; one submission).

Conditions:
Cardiomyopathy, familial hypertrophic 27. Identifiers: MedGen C4748014, MONDO:0054838, OMIM 618052.

Submission:

3billion
Classification: Pathogenic for Cardiomyopathy, familial hypertrophic 27. Last evaluated: 2025-02-27. Review status: criteria provided, single submitter. Criteria: ACMG Guidelines, 2015. Collection method: clinical testing. Allele origin: germline. Affected: yes.
Comment: The variant is not observed in the gnomAD v4.1.0 dataset. Predicted Consequence/Location: Frameshift: predicted to result in a loss or disruption of normal protein function through nonsense-mediated decay (NMD) or protein truncation. Multiple pathogenic variants are reported downstream of the variant. The variant has been reported to be associated with ALPK3-related disorder (3billion dataset). Therefore, this variant is classified as Pathogenic according to the recommendation of ACMG/AMP guideline.